The following is an entry in ClinVar:

ClinVar aggregate classification (germline): Likely pathogenic. Review status: criteria provided, multiple submitters, no conflicts (2 of 4 stars). 4 submissions from 4 submitters: Likely pathogenic (3). 1 of the submissions does not count toward it. Last evaluated 2023-06-26.

Conditions:
Familial cancer of breast. Also called: BREAST CANCER, FAMILIAL; Hereditary breast cancer; hereditary breast carcinoma. Identifiers: Orphanet 227535, MedGen C0346153, MONDO:0016419, OMIM 114480. Disease mechanism: loss of function.
Hereditary cancer-predisposing syndrome. Also called: Neoplastic Syndromes, Hereditary; Tumor predisposition; Hereditary neoplastic syndrome; Hereditary Cancer Syndrome. Identifiers: Orphanet 140162, MedGen C0027672, MeSH D009386, MONDO:0015356.

Submissions (5):

Myriad Genetics, Inc.
Classification: Likely pathogenic for Familial cancer of breast. Last evaluated: 2023-06-26. Review status: criteria provided, single submitter. Criteria: Myriad Autosomal Dominant, Autosomal Recessive and X-Linked Classification Criteria (2023). Collection method: clinical testing. Allele origin: unknown.
Comment: This variant is considered likely pathogenic. This variant occurs within a consensus splice junction and is predicted to result in abnormal mRNA splicing of either an out-of-frame exon or an in-frame exon necessary for protein stability and/or normal function.

GeneDx
Classification: Likely pathogenic. Last evaluated: 2022-12-09. Review status: criteria provided, single submitter. Criteria: GeneDx Variant Classification Process June 2021. Collection method: clinical testing. Allele origin: germline. Affected: yes.
Comment: Canonical splice site variant predicted to result in a null allele in a gene for which loss of function is a known mechanism of disease; Not observed at significant frequency in large population cohorts (gnomAD); Has not been previously published as pathogenic or benign to our knowledge

Ambry Genetics
Classification: Likely pathogenic for Hereditary cancer-predisposing syndrome. Last evaluated: 2019-07-25. Review status: criteria provided, single submitter. Criteria: Ambry Variant Classification Scheme 2023. Collection method: clinical testing. Allele origin: germline.
Comment: The c.592+2T>C intronic variant results from a T to C substitution two nucleotides after coding exon 3 in the CHEK2 gene. This nucleotide position is highly conserved in available vertebrate species. Using the BDGP and ESEfinder splice site prediction tools, this alteration is predicted to abolish the native splice donor site; however, direct evidence is unavailable. Alterations that disrupt the canonical splice site are expected to cause aberrant splicing, resulting in an abnormal protein or a transcript that is subject to nonsense-mediated mRNA decay. As such, this alteration is classified as likely pathogenic.

BRCAlab, Lund University
Classification: Likely pathogenic for Familial cancer of breast. Last evaluated: 2022-08-26. Review status: no assertion criteria provided. Collection method: clinical testing. Allele origin: germline. Affected: yes. Not counted in ClinVar's aggregate classification.

Dr. Peter K. Rogan Lab, Western University
No classification provided (evidence only). Condition: Colon adenocarcinoma. Review status: no classification provided. Collection method: in vitro. Allele origin: not applicable. Functional consequence: skipped exon, retained intron. Not counted in ClinVar's aggregate classification.

NM_007194.4(CHEK2):c.592+2T>C

Gene: CHEK2 (checkpoint kinase 2; minus strand). Cytogenetic location: 22q12.1.
Variant type: single nucleotide variant.
Coding change: c.592+2T>C on transcript NM_007194.4 (MANE Select); the canonical splice donor site of the intron after coding-DNA position 592, T replaced by C.
Molecular consequence: splice donor variant. On other transcripts: intron variant (1).
Genome position (GRCh38, 1-based): chr22:28,724,975, A>G on the plus strand (T>C on the coding strand, the complement: CHEK2 is on the minus strand). VCF-style: chr22-28724975-A-G. GRCh37 (hg19) VCF-style: chr22-29120963-A-G.
Other names: c.-72+2T>C (NM_001437942.1); c.445-52T>C (NM_001349956.3); c.592+2T>C (NM_145862.3); c.-186+2T>C (NM_001257387.3); c.685+2T>C (NM_001438295.1, NM_001438293.1); c.721+2T>C (NM_001438294.1, NM_001005735.3).
Identifiers: ClinVar variation 826059 (VCV000826059.27), dbSNP rs1601822717, ClinGen allele CA411106878.